The following is an entry in ClinVar:

ClinVar aggregate classification (germline): Benign (1 of 4 stars; one submission).

Submission:

ISCA site 4
Classification: Benign. Last evaluated: 2011-08-12. Review status: criteria provided, single submitter. Criteria: Kaminsky et al. (Genet Med. 2011). Collection method: clinical testing. Allele origin: unknown. Affected: yes. Observed: 1 variant allele.
Comment: Copy number variation identified through the course of routine clinical cytogenomic testing in postnatal populations. Clinical assertions have been curated as described in Kaminsky et al. 2011.

GRCh38/hg38 7p22.3(chr7:101528-227833)x3

Genes: FAM20C (FAM20C golgi associated secretory pathway kinase; plus strand), LINC03014 (long intergenic non-protein coding RNA 3014; plus strand), LINC03015 (long intergenic non-protein coding RNA 3015; minus strand), LOC105375115 (uncharacterized LOC105375115; plus strand), LOC113687202 (Sharpr-MPRA regulatory region 13780; plus strand). Cytogenetic location: 7p22.3.
Variant type: copy number gain.
Change: copy number 3 (three copies instead of two) of chr7:101,528-227,833 (126.3 kb, GRCh38 coordinates, 1-based), cytogenetic band 7p22.3.
Identifiers: ClinVar variation 161021 (VCV000161021.1).